The following is an entry in ClinVar:

NM_015330.6(SPECC1L):c.1516C>T (p.Arg506Trp)

Genes: SPECC1L (sperm antigen with calponin homology and coiled-coil domains 1 like; plus strand), SPECC1L-ADORA2A (SPECC1L-ADORA2A readthrough (NMD candidate); plus strand). Cytogenetic location: 22q11.23.
Variant type: single nucleotide variant.
Coding change: c.1516C>T on transcript NM_015330.6 (MANE Select); coding-DNA position 1516, C replaced by T.
Protein change: p.Arg506Trp; replaces arginine 506 with tryptophan.
Molecular consequence: missense variant. On other transcripts: non-coding transcript variant (1).
Genome position (GRCh38, 1-based): chr22:24,322,496, C>T. VCF-style: chr22-24322496-C-T. GRCh37 (hg19) VCF-style: chr22-24718464-C-T.
Other names: c.1516C>T, p.Arg506Trp (NM_001145468.4, NM_001254732.3); short protein forms R506W.
Identifiers: ClinVar variation 1365289 (VCV001365289.6), dbSNP rs1601553045, ClinGen allele CA410969449.
Genomic context (GRCh38, chr22:24,322,496, plus strand): 5'-GGGCGCTATATGGAATTAGAGCAACGTTACATGGACCTCGCTGAGAATGCCCGTTTTGAA[C>T]GGGAGCAGCTTCTTGGTGTCCAGCAGCATTTAAGCAATACTTTGAAAATGGCAGAACAAG-3'
Protein context (NP_056145.5, residues 496-516): MDLAENARFE[Arg506Trp]EQLLGVQQHL

ClinVar aggregate classification (germline): Uncertain significance (1 of 4 stars; one submission).

Allele frequency attached by ClinVar (database versions not stated): TOPMed below 0.00001; gnomAD exomes 0.00001.
gnomAD v4.1: 5 of 1,614,084 alleles (0.00031%); highest among the groups gnomAD compares: Non-Finnish European, 0.00042%; no homozygotes.

Submission:

Labcorp Genetics (formerly Invitae), Labcorp
Classification: Uncertain significance. Last evaluated: 2024-10-29. Review status: criteria provided, single submitter. Criteria: Invitae Variant Classification Sherloc (09022015). Collection method: clinical testing. Allele origin: germline.
Comment: This sequence change replaces arginine, which is basic and polar, with tryptophan, which is neutral and slightly polar, at codon 506 of the SPECC1L protein (p.Arg506Trp). This variant is not present in population databases (gnomAD no frequency). This variant has not been reported in the literature in individuals affected with SPECC1L-related conditions. ClinVar contains an entry for this variant (Variation ID: 1365289). Invitae Evidence Modeling of protein sequence and biophysical properties (such as structural, functional, and spatial information, amino acid conservation, physicochemical variation, residue mobility, and thermodynamic stability) indicates that this missense variant is expected to disrupt SPECC1L protein function with a positive predictive value of 80%. In summary, the available evidence is currently insufficient to determine the role of this variant in disease. Therefore, it has been classified as a Variant of Uncertain Significance.